The following is an entry in ClinVar:

NM_001277313.2(FMN1):c.836A>G (p.Asp279Gly)

Gene: FMN1 (formin 1; minus strand). Cytogenetic location: 15q13.3.
Variant type: single nucleotide variant.
Coding change: c.836A>G on transcript NM_001277313.2 (MANE Select); coding-DNA position 836, A replaced by G.
Protein change: p.Asp279Gly; replaces aspartic acid 279 with glycine.
Molecular consequence: missense variant.
Genome position (GRCh38, 1-based): chr15:33,154,079, T>C on the plus strand (A>G on the coding strand, the complement: FMN1 is on the minus strand). VCF-style: chr15-33154079-T-C. GRCh37 (hg19) VCF-style: chr15-33446280-T-C.
Other names: c.836A>G, p.Asp279Gly (NM_001277314.2); short protein forms D279G.
Identifiers: ClinVar variation 4752608 (VCV004752608.1).
Genomic context (GRCh38, chr15:33,154,079, plus strand): 5'-TGACTTTCAGACAAACCTGTTTGCTGATGCTCCAGCCCGCTCGGCGGCCTCCGAATGCCA[T>C]CCCCTCCTGCCTCTGTGGAGCTGCAGTCAGGGGGCAGCACTTCTCTTCCAAGCCCAGTGT-3'
Protein context (NP_001264242.1, residues 269-289): PDCSSTEAGG[Asp279Gly]GIRRPPSGLE

ClinVar aggregate classification (germline): Uncertain significance (1 of 4 stars; one submission).

Submission:

Labcorp Genetics (formerly Invitae), Labcorp
Classification: Uncertain significance. Last evaluated: 2025-08-06. Review status: criteria provided, single submitter. Criteria: Invitae Variant Classification Sherloc (09022015). Collection method: clinical testing. Allele origin: germline.
Comment: The FMN1 gene has multiple clinically relevant transcripts. This variant occurs in alternate transcript NM_001277314.1, and corresponds to NM_001103184.3:c.-86195A>G in the primary transcript. This sequence change replaces aspartic acid, which is acidic and polar, with glycine, which is neutral and non-polar, at codon 279 of the FMN1 protein (p.Asp279Gly). This variant is present in population databases (no rsID available, gnomAD 0.04%). This variant has not been reported in the literature in individuals affected with FMN1-related conditions. Experimental studies and prediction algorithms are not available or were not evaluated, and the functional significance of this variant is currently unknown. In summary, the available evidence is currently insufficient to determine the role of this variant in disease. Therefore, it has been classified as a Variant of Uncertain Significance.